The following is an entry in ClinVar:

NM_018706.7(DHTKD1):c.1180A>G (p.Ile394Val)

Gene: DHTKD1 (dehydrogenase E1 and transketolase domain containing 1; plus strand). Cytogenetic location: 10p14.
Variant type: single nucleotide variant.
Coding change: c.1180A>G on transcript NM_018706.7 (MANE Select); coding-DNA position 1180, A replaced by G.
Protein change: p.Ile394Val; replaces isoleucine 394 with valine.
Molecular consequence: missense variant.
Genome position (GRCh38, 1-based): chr10:12,094,093, A>G. VCF-style: chr10-12094093-A-G. GRCh37 (hg19) VCF-style: chr10-12136092-A-G.
Other names: short protein forms I394V.
Identifiers: ClinVar variation 1361065 (VCV001361065.8), dbSNP rs776977187, ClinGen allele CA5407776.

ClinVar aggregate classification (germline): Uncertain significance (1 of 4 stars; one submission).

Conditions:
2-aminoadipic 2-oxoadipic aciduria (AAKAD). Also called: Aminoadipic aciduria; ALPHA-AMINOADIPIC AND ALPHA-KETOADIPIC ACIDURIA. Identifiers: Orphanet 79154, MedGen C1859817, MONDO:0008774, OMIM 204750.

Allele frequency attached by ClinVar (database versions not stated): gnomAD exomes below 0.00001; ExAC 0.00001.
gnomAD v4.1: 2 of 1,614,056 alleles (0.00012%); highest among the groups gnomAD compares: South Asian, 0.0011%; no homozygotes.

Submission:

Labcorp Genetics (formerly Invitae), Labcorp
Classification: Uncertain significance for 2-aminoadipic 2-oxoadipic aciduria. Last evaluated: 2021-06-14. Review status: criteria provided, single submitter. Criteria: Invitae Variant Classification Sherloc (09022015). Collection method: clinical testing. Allele origin: germline.
Comment: This variant is present in population databases (rs776977187, ExAC 0.006%). This variant has not been reported in the literature in individuals with DHTKD1-related conditions. Algorithms developed to predict the effect of missense changes on protein structure and function output the following: SIFT: "Tolerated"; PolyPhen-2: "Benign"; Align-GVGD: "Class C0". The valine amino acid residue is found in multiple mammalian species, suggesting that this missense change does not adversely affect protein function. These predictions have not been confirmed by published functional studies and their clinical significance is uncertain. In summary, the available evidence is currently insufficient to determine the role of this variant in disease. Therefore, it has been classified as a Variant of Uncertain Significance. This sequence change replaces isoleucine with valine at codon 394 of the DHTKD1 protein (p.Ile394Val). The isoleucine residue is moderately conserved and there is a small physicochemical difference between isoleucine and valine.